The following is an entry in ClinVar:

NM_002979.5(SCP2):c.855A>G (p.Ala285=)

Gene: SCP2 (sterol carrier protein 2; plus strand). Cytogenetic location: 1p32.3.
Variant type: single nucleotide variant.
Coding change: c.855A>G on transcript NM_002979.5 (MANE Select); coding-DNA position 855, A replaced by G.
Protein change: p.Ala285=; no amino-acid change (alanine 285 retained).
Molecular consequence: synonymous variant.
Genome position (GRCh38, 1-based): chr1:52,980,425, A>G. VCF-style: chr1-52980425-A-G. GRCh37 (hg19) VCF-style: chr1-53446097-A-G.
Other names: c.723A>G, p.Ala241= (NM_001007098.3, NM_001193600.2); c.783A>G, p.Ala261= (NM_001193599.2); c.612A>G, p.Ala204= (NM_001193617.2); c.855A>G, p.Ala285= (NM_001330587.2); c.855A>G (NM_002979.4).
Identifiers: ClinVar variation 500238 (VCV000500238.36), dbSNP rs185811440, ClinGen allele CA857243.
Genomic context (GRCh38, chr1:52,980,425, plus strand): 5'-GCCCTTTATTTATATATGGTTTTGGTTTTAGGTTGGCTTTGATATGAGTAAAGAAGCTGC[A>G]AGAAAATGCTATGAGAAATCTGGCCTGACACCAAATGATATTGACGTAATAGAACTTCAC-3'
Protein context (NP_002970.2, residues 275-295): MVGFDMSKEA[Ala285=]RKCYEKSGLT

ClinVar aggregate classification (germline): Conflicting classifications of pathogenicity. Review status: criteria provided, conflicting classifications (1 of 4 stars). 4 submissions from 4 submitters: Uncertain significance (1); Likely benign (2). 1 of the submissions does not count toward it. Last evaluated 2026-04-01.

Conditions:
SCP2-related disorder. Also called: SCP2-related condition.

Allele frequency attached by ClinVar (database versions not stated): gnomAD exomes 0.00004 and 0.00013; gnomAD 0.00006 and 0.00009; ExAC 0.00012; TOPMed 0.00013; 1000 Genomes Project 30x 0.00047; 1000 Genomes Project 0.00060.

Submissions (4):

CeGaT Center for Human Genetics Tuebingen
Classification: Likely benign. Last evaluated: 2026-04-01. Review status: criteria provided, single submitter. Criteria: CeGaT Center For Human Genetics Tuebingen Variant Classification Criteria Version 2. Collection method: clinical testing. Allele origin: germline. Affected: yes. Observed: 2 variant alleles.
Comment: SCP2: BP4, BP7

Labcorp Genetics (formerly Invitae), Labcorp
Classification: Likely benign. Last evaluated: 2025-11-04. Review status: criteria provided, single submitter. Criteria: Invitae Variant Classification Sherloc (09022015). Collection method: clinical testing. Allele origin: germline.

Eurofins Ntd Llc (ga)
Classification: Uncertain significance. Last evaluated: 2017-02-01. Review status: criteria provided, single submitter. Criteria: EGL Classification Definitions 2015. Collection method: clinical testing. Allele origin: germline. Observed: 1 variant allele, 1 heterozygote.

PreventionGenetics, part of Exact Sciences
Classification: Likely benign for SCP2-related condition. Last evaluated: 2024-04-16. Review status: no assertion criteria provided. Collection method: clinical testing. Allele origin: germline. Not counted in ClinVar's aggregate classification.
Comment: This variant is classified as likely benign based on ACMG/AMP sequence variant interpretation guidelines (Richards et al. 2015 PMID: 25741868, with internal and published modifications).